The following is an entry in ClinVar:

ClinVar aggregate classification (germline): Uncertain significance (1 of 4 stars; one submission).

Conditions:
Pitt-Hopkins-like syndrome 2 (PTHSL2). Identifiers: Orphanet 221150, Orphanet 600663, MedGen C3280479, MONDO:0013690, OMIM 614325.

Submission:

Labcorp Genetics (formerly Invitae), Labcorp
Classification: Uncertain significance for Pitt-Hopkins-like syndrome 2. Last evaluated: 2024-05-06. Review status: criteria provided, single submitter. Criteria: Invitae Variant Classification Sherloc (09022015). Collection method: clinical testing. Allele origin: germline.
Comment: This sequence change replaces leucine, which is neutral and non-polar, with proline, which is neutral and non-polar, at codon 1486 of the NRXN1 protein (p.Leu1486Pro). This variant is not present in population databases (gnomAD no frequency). This variant has not been reported in the literature in individuals affected with NRXN1-related conditions. ClinVar contains an entry for this variant (Variation ID: 1369098). Advanced modeling of protein sequence and biophysical properties (such as structural, functional, and spatial information, amino acid conservation, physicochemical variation, residue mobility, and thermodynamic stability) performed at Invitae indicates that this missense variant is expected to disrupt NRXN1 protein function with a positive predictive value of 80%. In summary, the available evidence is currently insufficient to determine the role of this variant in disease. Therefore, it has been classified as a Variant of Uncertain Significance.

NM_001330078.2(NRXN1):c.4337T>C (p.Leu1446Pro)

Gene: NRXN1 (neurexin 1; minus strand). Cytogenetic location: 2p16.3.
Variant type: single nucleotide variant.
Coding change: c.4337T>C on transcript NM_001330078.2 (MANE Select); coding-DNA position 4337, T replaced by C.
Protein change: p.Leu1446Pro; replaces leucine 1446 with proline.
Molecular consequence: missense variant.
Genome position (GRCh38, 1-based): chr2:49,922,131, A>G on the plus strand (T>C on the coding strand, the complement: NRXN1 is on the minus strand). VCF-style: chr2-49922131-A-G. GRCh37 (hg19) VCF-style: chr2-50149269-A-G.
Other names: c.4457T>C, p.Leu1486Pro (NM_001135659.3); c.242T>C, p.Leu81Pro (NM_001320156.4); c.233T>C, p.Leu78Pro (NM_001320157.4); c.4313T>C, p.Leu1438Pro (NM_001330077.2); c.4304T>C, p.Leu1435Pro (NM_001330082.2); c.4172T>C, p.Leu1391Pro (NM_001330083.2); c.4271T>C, p.Leu1424Pro (NM_001330084.2); c.4310T>C, p.Leu1437Pro (NM_001330085.2); and 12 more; short protein forms L1391P, L1399P, L81P, L1386P, L1416P, L1439P, L1486P, L1424P.
Identifiers: ClinVar variation 1369098 (VCV001369098.8), dbSNP rs1293864569, ClinGen allele CA346818582.